The following is an entry in ClinVar:

ClinVar aggregate classification (germline): Likely pathogenic (1 of 4 stars; one submission).

Conditions:
Autosomal recessive limb-girdle muscular dystrophy type 2U. Also called: MUSCULAR DYSTROPHY, LIMB-GIRDLE, TYPE 2U; Muscular dystrophy-dystroglycanopathy (limb-girdle), type c, 7. Identifiers: Orphanet 352479, MedGen C5190987, MONDO:0014474, OMIM 616052.
Muscular dystrophy-dystroglycanopathy (congenital with brain and eye anomalies), type A, 7. Also called: WALKER-WARBURG SYNDROME OR MUSCLE-EYE-BRAIN DISEASE, ISPD-RELATED; Congenital muscular dystrophy-dystroglycanopathy with brain and eye anomalies, type A7. Identifiers: Orphanet 899, MedGen C3553330, MONDO:0013835, OMIM 614643.

Submission:

Labcorp Genetics (formerly Invitae), Labcorp
Classification: Likely pathogenic for Muscular dystrophy-dystroglycanopathy (congenital with brain and eye anomalies), type A, 7; Autosomal recessive limb-girdle muscular dystrophy type 2U. Last evaluated: 2022-07-27. Review status: criteria provided, single submitter. Criteria: Invitae Variant Classification Sherloc (09022015). Collection method: clinical testing. Allele origin: germline.
Comment: This variant is a gross deletion of the genomic region encompassing exon(s) 3 of the ISPD gene. This variant would be expected to be in-frame, preserving the integrity of the reading frame. A similar copy number variant has been observed in individual(s) with Walker-Warburg syndrome (PMID: 22522420). Experimental studies and prediction algorithms are not available or were not evaluated, and the functional significance of this variant is currently unknown. In summary, the currently available evidence indicates that the variant is pathogenic, but additional data are needed to prove that conclusively. Therefore, this variant has been classified as Likely Pathogenic.

Literature cited by the submitters: PubMed 22522420.

NC_000007.14:g.(?_16376072)_(16376261_?)del

Gene: CRPPA (CDP-L-ribitol pyrophosphorylase A; minus strand). Cytogenetic location: 7p21.2.
Variant type: Deletion.
Identifiers: ClinVar variation 583821 (VCV000583821.2).